The following is an entry in ClinVar:

NM_004260.4(RECQL4):c.2739G>T (p.Leu913Phe)

Gene: RECQL4 (RecQ like helicase 4; minus strand). Cytogenetic location: 8q24.3.
Variant type: single nucleotide variant.
Coding change: c.2739G>T on transcript NM_004260.4 (MANE Select); coding-DNA position 2739, G replaced by T.
Protein change: p.Leu913Phe; replaces leucine 913 with phenylalanine.
Molecular consequence: missense variant. On other transcripts: non-coding transcript variant (3).
Genome position (GRCh38, 1-based): chr8:144,512,863, C>A on the plus strand (G>T on the coding strand, the complement: RECQL4 is on the minus strand). VCF-style: chr8-144512863-C-A. GRCh37 (hg19) VCF-style: chr8-145738246-C-A.
Other names: c.1668G>T, p.Leu556Phe (NM_001413040.1, NM_001413034.1, NM_001413035.1 and 5 more transcripts); c.1602G>T, p.Leu534Phe (NM_001413041.1, NM_001413030.1, NM_001413032.1 and 1 more transcripts); c.1638G>T, p.Leu546Phe (NM_001413042.1); c.1272G>T, p.Leu424Phe (NM_001413043.1); c.2388G>T, p.Leu796Phe (NM_001413029.1); c.1470G>T, p.Leu490Phe (NM_001413031.1, NM_001413038.1); c.2607G>T, p.Leu869Phe (NM_001413033.1); c.2739G>T, p.Leu913Phe (NM_001413036.1, NM_001413019.1); and 6 more; short protein forms L512F, L556F, L881F, L490F, L847F, L546F, L815F, L869F.
Identifiers: ClinVar variation 3720007 (VCV003720007.2).

ClinVar aggregate classification (germline): Uncertain significance (1 of 4 stars; one submission).

Conditions:
Baller-Gerold syndrome (BGS). Also called: CRANIOSYNOSTOSIS WITH RADIAL DEFECTS. Identifiers: Orphanet 1225, MedGen C0265308, MONDO:0009039, OMIM 218600.

Submission:

Labcorp Genetics (formerly Invitae), Labcorp
Classification: Uncertain significance for Baller-Gerold syndrome. Last evaluated: 2024-12-04. Review status: criteria provided, single submitter. Criteria: Invitae Variant Classification Sherloc (09022015). Collection method: clinical testing. Allele origin: germline.
Comment: This sequence change replaces leucine, which is neutral and non-polar, with phenylalanine, which is neutral and non-polar, at codon 913 of the RECQL4 protein (p.Leu913Phe). This variant is not present in population databases (gnomAD no frequency). This variant has not been reported in the literature in individuals affected with RECQL4-related conditions. Invitae Evidence Modeling of protein sequence and biophysical properties (such as structural, functional, and spatial information, amino acid conservation, physicochemical variation, residue mobility, and thermodynamic stability) indicates that this missense variant is expected to disrupt RECQL4 protein function with a positive predictive value of 80%. In summary, the available evidence is currently insufficient to determine the role of this variant in disease. Therefore, it has been classified as a Variant of Uncertain Significance.